The following is an entry in ClinVar:

ClinVar aggregate classification (germline): Uncertain significance (1 of 4 stars; one submission).

Conditions:
Ullrich congenital muscular dystrophy 2 (UCMD2). Identifiers: Orphanet 75840, MedGen C4225314, MONDO:0014654, OMIM 616470.
Bethlem myopathy 2 (BTHLM2). Identifiers: Orphanet 536516, Orphanet 610, MedGen C4225313, MONDO:0034022, OMIM 616471.

Submission:

Labcorp Genetics (formerly Invitae), Labcorp
Classification: Uncertain significance for Bethlem myopathy 2; Ullrich congenital muscular dystrophy 2. Last evaluated: 2025-07-20. Review status: criteria provided, single submitter. Criteria: Invitae Variant Classification Sherloc (09022015). Collection method: clinical testing. Allele origin: germline.
Comment: This sequence change replaces serine, which is neutral and polar, with proline, which is neutral and non-polar, at codon 682 of the COL12A1 protein (p.Ser682Pro). This variant is not present in population databases (gnomAD no frequency). This variant has not been reported in the literature in individuals affected with COL12A1-related conditions. Invitae Evidence Modeling of protein sequence and biophysical properties (such as structural, functional, and spatial information, amino acid conservation, physicochemical variation, residue mobility, and thermodynamic stability) indicates that this missense variant is not expected to disrupt COL12A1 protein function with a negative predictive value of 80%. In summary, the available evidence is currently insufficient to determine the role of this variant in disease. Therefore, it has been classified as a Variant of Uncertain Significance.

NM_004370.6(COL12A1):c.2044T>C (p.Ser682Pro)

Gene: COL12A1 (collagen type XII alpha 1 chain; minus strand). Cytogenetic location: 6q13.
Variant type: single nucleotide variant.
Coding change: c.2044T>C on transcript NM_004370.6 (MANE Select); coding-DNA position 2044, T replaced by C.
Protein change: p.Ser682Pro; replaces serine 682 with proline.
Molecular consequence: missense variant. On other transcripts: intron variant (2).
Genome position (GRCh38, 1-based): chr6:75,181,059, A>G on the plus strand (T>C on the coding strand, the complement: COL12A1 is on the minus strand). VCF-style: chr6-75181059-A-G. GRCh37 (hg19) VCF-style: chr6-75890775-A-G.
Other names: c.2044T>C, p.Ser682Pro (NM_001424113.1, NM_001424114.1, NM_001424115.1); c.73+21661T>C (NM_001424116.1, NM_080645.3); short protein forms S682P.
Identifiers: ClinVar variation 4787582 (VCV004787582.1).